The following is an entry in ClinVar:

NM_001999.4(FBN2):c.2041C>T (p.Arg681Cys)

Gene: FBN2 (fibrillin 2; minus strand). Cytogenetic location: 5q23.3.
Variant type: single nucleotide variant.
Coding change: c.2041C>T on transcript NM_001999.4 (MANE Select); coding-DNA position 2041, C replaced by T.
Protein change: p.Arg681Cys; replaces arginine 681 with cysteine.
Molecular consequence: missense variant.
Genome position (GRCh38, 1-based): chr5:128,374,682, G>A on the plus strand (C>T on the coding strand, the complement: FBN2 is on the minus strand). VCF-style: chr5-128374682-G-A. GRCh37 (hg19) VCF-style: chr5-127710375-G-A.
Other names: short protein forms R681C.
Identifiers: ClinVar variation 838183 (VCV000838183.11), dbSNP rs750406193, ClinGen allele CA3395668.
Genomic context (GRCh38, chr5:128,374,682, plus strand): 5'-ACTTACCAACACACACACGTCCATCCATGCCCACAGCCAGGCCTGGGGGACAGTCACAGC[G>A]GAAGGACCCTTCACTGTTGATGCAGTGCCCATTCATGCAGATTCCTGGGGTCTGGCATTC-3'
Protein context (NP_001990.2, residues 671-691): GHCINSEGSF[Arg681Cys]CDCPPGLAVG

ClinVar aggregate classification (germline): Conflicting classifications of pathogenicity. Review status: criteria provided, conflicting classifications (1 of 4 stars). 2 submissions from 2 submitters: Uncertain significance (1); Likely benign (1). Last evaluated 2025-08-20.

Conditions:
Familial thoracic aortic aneurysm and aortic dissection (TAAD). Also called: Thoracic aortic aneurysms and dissections. Identifiers: Orphanet 91387, MedGen C4707243, MONDO:0019625.
Congenital contractural arachnodactyly (CCA). Also called: BEALS SYNDROME; Beals-Hecht syndrome; Arthrogryposis, distal, type 9. Identifiers: Orphanet 115, MedGen C0220668, MONDO:0007363, OMIM 121050.

Allele frequency attached by ClinVar (database versions not stated): ExAC 0.00001; gnomAD 0.00001; TOPMed 0.00001; gnomAD exomes 0.00002.
gnomAD v4.1: 23 of 1,613,834 alleles (0.0014%); highest among the groups gnomAD compares: East Asian, 0.0022%; 1 homozygote.

Submissions (2):

Labcorp Genetics (formerly Invitae), Labcorp
Classification: Likely benign for Congenital contractural arachnodactyly. Last evaluated: 2025-08-20. Review status: criteria provided, single submitter. Criteria: Invitae Variant Classification Sherloc (09022015). Collection method: clinical testing. Allele origin: germline.

Ambry Genetics
Classification: Uncertain significance for Familial thoracic aortic aneurysm and aortic dissection. Last evaluated: 2025-01-03. Review status: criteria provided, single submitter. Criteria: Ambry Variant Classification Scheme 2023. Collection method: clinical testing. Allele origin: germline.
Comment: The p.R681C variant (also known as c.2041C>T), located in coding exon 15 of the FBN2 gene, results from a C to T substitution at nucleotide position 2041. The arginine at codon 681 is replaced by cysteine, an amino acid with highly dissimilar properties. This amino acid position is highly conserved in available vertebrate species. In addition, this alteration is predicted to be deleterious by in silico analysis. Based on the available evidence, the clinical significance of this variant remains unclear.